The following is an entry in ClinVar:

NM_022489.4(INF2):c.1335C>G (p.Pro445=)

Gene: INF2 (inverted formin 2; plus strand). Cytogenetic location: 14q32.33.
Variant type: single nucleotide variant.
Coding change: c.1335C>G on transcript NM_022489.4 (MANE Select); coding-DNA position 1335, C replaced by G.
Protein change: p.Pro445=; no amino-acid change (proline 445 retained).
Molecular consequence: synonymous variant.
Genome position (GRCh38, 1-based): chr14:104,707,602, C>G. VCF-style: chr14-104707602-C-G. GRCh37 (hg19) VCF-style: chr14-105173939-C-G.
Other names: c.1335C>G (NM_022489.3); c.1335C>G, p.Pro445= (NM_001031714.4).
Identifiers: ClinVar variation 1136047 (VCV001136047.10), dbSNP rs1306481005, ClinGen allele CA488715864.

ClinVar aggregate classification (germline): Likely benign. Review status: criteria provided, multiple submitters, no conflicts (2 of 4 stars). 2 submissions from 2 submitters: Likely benign (2). Last evaluated 2025-01-23.

Conditions:
Charcot-Marie-Tooth disease dominant intermediate E. Also called: CHARCOT-MARIE-TOOTH NEUROPATHY WITH FOCAL SEGMENTAL GLOMERULONEPHRITIS. Identifiers: Orphanet 93114, MedGen C4302667, MONDO:0013758, OMIM 614455.
Focal segmental glomerulosclerosis 5 (FSGS5). Identifiers: Orphanet 656, MedGen C2750475, MONDO:0013191, OMIM 613237.
INF2-related disorder. Also called: INF2-related condition.

gnomAD v4.1: 52 of 1,168,154 alleles (0.0045%); highest among the groups gnomAD compares: Non-Finnish European, 0.0057%; no homozygotes.

Submissions (2):

PreventionGenetics, part of Exact Sciences
Classification: Likely benign for INF2-related condition. Last evaluated: 2025-01-23. Review status: criteria provided, single submitter. Criteria: ACMG Guidelines, 2015. Collection method: clinical testing. Allele origin: germline.
Comment: This variant is classified as likely benign based on ACMG/AMP sequence variant interpretation guidelines (Richards et al. 2015 PMID: 25741868, with internal and published modifications).

Labcorp Genetics (formerly Invitae), Labcorp
Classification: Likely benign for Charcot-Marie-Tooth disease dominant intermediate E; Focal segmental glomerulosclerosis 5. Last evaluated: 2024-09-21. Review status: criteria provided, single submitter. Criteria: Invitae Variant Classification Sherloc (09022015). Collection method: clinical testing. Allele origin: germline.